The following is an entry in ClinVar:

ClinVar aggregate classification (germline): Uncertain significance (1 of 4 stars; one submission).

Allele frequency attached by ClinVar (database versions not stated): gnomAD 0.00001; TOPMed 0.00002; ExAC 0.00006.
gnomAD v4.1: 8 of 1,572,702 alleles (0.00051%); highest among the groups gnomAD compares: East Asian, 0.019%; no homozygotes.

Submission:

Ambry Genetics
Classification: Uncertain significance. Last evaluated: 2025-02-08. Review status: criteria provided, single submitter. Criteria: Ambry Variant Classification Scheme 2023. Collection method: clinical testing. Allele origin: germline.
Comment: The p.M704I variant (also known as c.2112G>C), located in coding exon 9 of the WNK2 gene, results from a G to C substitution at nucleotide position 2112. The methionine at codon 704 is replaced by isoleucine, an amino acid with highly similar properties. This amino acid position is conserved. In addition, this alteration is predicted to be tolerated by in silico analysis. Based on the available evidence, the clinical significance of this variant remains unclear.

NM_006648.4(WNK2):c.2112G>C (p.Met704Ile)

Gene: WNK2 (WNK lysine deficient protein kinase 2; plus strand). Cytogenetic location: 9q22.31.
Variant type: single nucleotide variant.
Coding change: c.2112G>C on transcript NM_006648.4 (MANE Select); coding-DNA position 2112, G replaced by C.
Protein change: p.Met704Ile; replaces methionine 704 with isoleucine.
Molecular consequence: missense variant.
Genome position (GRCh38, 1-based): chr9:93,256,376, G>C. VCF-style: chr9-93256376-G-C. GRCh37 (hg19) VCF-style: chr9-96018658-G-C.
Other names: c.2112G>C, p.Met704Ile (NM_001282394.3); short protein forms M704I.
Identifiers: ClinVar variation 2518441 (VCV002518441.3), dbSNP rs756206792, ClinGen allele CA5129506.
Genomic context (GRCh38, chr9:93,256,376, plus strand): 5'-CTCTGTCCCGGCCCCCGCCTGCCCTCCGTCCCTCCAGCAGCACTTCCCGGATCCGGCCAT[G>C]AGCTTCGCCCCCGTGCTGCCGCCGCCCAGCACCCCCATGCCCACGGGCCCAGGCCAGCCA-3'
Protein context (NP_006639.3, residues 694-714): SLQQHFPDPA[Met704Ile]SFAPVLPPPS